The following is an entry in ClinVar:

ClinVar aggregate classification (germline): Uncertain significance (1 of 4 stars; one submission).

Conditions:
EP300-related disorder. Also called: EP300-related condition; EP300-related disorders.

gnomAD v4.1: 10 of 1,614,040 alleles (0.00062%); highest among the groups gnomAD compares: Non-Finnish European, 0.00076%; no homozygotes.

Submission:

PreventionGenetics, part of Exact Sciences
Classification: Uncertain significance for EP300-related condition. Last evaluated: 2025-09-29. Review status: criteria provided, single submitter. Criteria: ACMG Guidelines, 2015. Collection method: clinical testing. Allele origin: germline.
Comment: The EP300 c.2997+5G>A variant is predicted to interfere with splicing. This variant is predicted to impact splicing based on splicing prediction programs (SpliceAI, Jaganathan K, et al. 2019. PubMed ID: 30661751). However, the use of computer prediction programs is not equivalent to functional evidence. To our knowledge, this variant has not been reported in the literature. This variant is reported in 0.0023% of alleles in individuals of European (Non-Finnish) descent in gnomAD. At this time, the clinical significance of this variant is uncertain due to the absence of conclusive functional and genetic evidence.

NM_001429.4(EP300):c.2997+5G>A

Genes: EP300 (EP300 lysine acetyltransferase; plus strand), LOC126863158 (BRD4-independent group 4 enhancer GRCh37_chr22:41547383-41548582; plus strand). Cytogenetic location: 22q13.2.
Variant type: single nucleotide variant.
Coding change: c.2997+5G>A on transcript NM_001429.4 (MANE Select); 5 bases into the intron after coding-DNA position 2997, G replaced by A.
Molecular consequence: intron variant.
Genome position (GRCh38, 1-based): chr22:41,152,017, G>A. VCF-style: chr22-41152017-G-A. GRCh37 (hg19) VCF-style: chr22-41548021-G-A.
Other names: c.2919+5G>A (NM_001362843.2).
Identifiers: ClinVar variation 4988374 (VCV004988374.1).
Genomic context (GRCh38, chr22:41,152,017, plus strand): 5'-AAATGGAAGTGGATCAACCAGAACCAGCAGATACTCAGCCGGAGGATATTTCAGAGGTGA[G>A]AGTAGGGCAATTACTGTTTGATTTGGTTAGGACCTCAGTATAGGAACCCAAGTTTTAAAA-3'